The following is an entry in ClinVar:

NM_025219.3(DNAJC5):c.226T>C (p.Tyr76His)

Gene: DNAJC5 (DnaJ heat shock protein family (Hsp40) member C5; plus strand). Cytogenetic location: 20q13.33.
Variant type: single nucleotide variant.
Coding change: c.226T>C on transcript NM_025219.3 (MANE Select); coding-DNA position 226, T replaced by C.
Protein change: p.Tyr76His; replaces tyrosine 76 with histidine.
Molecular consequence: missense variant.
Genome position (GRCh38, 1-based): chr20:63,929,430, T>C. VCF-style: chr20-63929430-T-C. GRCh37 (hg19) VCF-style: chr20-62560783-T-C.
Other names: short protein forms Y76H.
Identifiers: ClinVar variation 1042770 (VCV001042770.8), dbSNP rs2053642970, ClinGen allele CA409716607.

ClinVar aggregate classification (germline): Uncertain significance (1 of 4 stars; one submission).

Conditions:
Neuronal ceroid lipofuscinosis. Also called: Neuronal Ceroid Lipofuscinoses. Identifiers: Orphanet 216, Orphanet 79263, MedGen C0027877, MONDO:0016295. Disease mechanism: loss of function.

Submission:

Labcorp Genetics (formerly Invitae), Labcorp
Classification: Uncertain significance for Neuronal ceroid lipofuscinosis. Last evaluated: 2020-06-09. Review status: criteria provided, single submitter. Criteria: Invitae Variant Classification Sherloc (09022015). Collection method: clinical testing. Allele origin: germline.
Comment: In summary, the available evidence is currently insufficient to determine the role of this variant in disease. Therefore, it has been classified as a Variant of Uncertain Significance. Algorithms developed to predict the effect of missense changes on protein structure and function are either unavailable or do not agree on the potential impact of this missense change (SIFT: "Deleterious"; PolyPhen-2: "Probably Damaging"; Align-GVGD: "Class C0"). This variant has not been reported in the literature in individuals with DNAJC5-related conditions. This variant is not present in population databases (ExAC no frequency). This sequence change replaces tyrosine with histidine at codon 76 of the DNAJC5 protein (p.Tyr76His). The tyrosine residue is highly conserved and there is a moderate physicochemical difference between tyrosine and histidine.